The following is an entry in ClinVar:

NM_031443.4(CCM2):c.*6A>G

Gene: CCM2 (CCM2 scaffold protein; plus strand). Cytogenetic location: 7p13.
Variant type: single nucleotide variant.
Coding change: c.*6A>G on transcript NM_031443.4 (MANE Select); 6 bases downstream of the stop codon, A replaced by G.
Molecular consequence: 3 prime UTR variant. On other transcripts: non-coding transcript variant (1).
Genome position (GRCh38, 1-based): chr7:45,076,063, A>G. VCF-style: chr7-45076063-A-G. GRCh37 (hg19) VCF-style: chr7-45115662-A-G.
Other names: c.*6A>G (NM_001029835.2, NM_001167934.2, NM_001167935.2 and 2 more transcripts).
Identifiers: ClinVar variation 590644 (VCV000590644.37), dbSNP rs144650652, ClinGen allele CA4247317.
Genomic context (GRCh38, chr7:45,076,063, plus strand): 5'-CATCAGCAGCGACATTGAGGCGCTGGGCTGCAGCATGGACCAGGACTCAGCATGATGGAC[A>G]GTGGATGGGGGGGCACCCACACCTTCCGCGCAGTCGTCATAGGCCTTCCCAGAAGGAGCT-3'

ClinVar aggregate classification (germline): Benign/Likely benign. Review status: criteria provided, multiple submitters, no conflicts (2 of 4 stars). 6 submissions from 6 submitters: Benign (1); Likely benign (4). 1 of the submissions does not count toward it. Last evaluated 2026-05-01.

Conditions:
CCM2-related disorder. Also called: CCM2-related condition.

Allele frequency attached by ClinVar (database versions not stated): 1000 Genomes Project 0.00160; 1000 Genomes Project 30x 0.00172; gnomAD 0.00255 and 0.00261; TOPMed 0.00283; ExAC 0.00284; gnomAD exomes 0.00295 and 0.00354; ESP Exome Variant Server 0.00323.
gnomAD v4.1: 5,554 of 1,612,962 alleles (0.34%); highest among the groups gnomAD compares: Middle Eastern, 0.51%; 27 homozygotes.

Submissions (6):

CeGaT Center for Human Genetics Tuebingen
Classification: Benign. Last evaluated: 2026-05-01. Review status: criteria provided, single submitter. Criteria: CeGaT Center For Human Genetics Tuebingen Variant Classification Criteria Version 2. Collection method: clinical testing. Allele origin: germline. Affected: yes. Observed: 4 variant alleles.
Comment: CCM2: BS1, BS2

Mayo Clinic Laboratories, Mayo Clinic
Classification: Likely benign. Last evaluated: 2025-02-11. Review status: criteria provided, single submitter. Criteria: ACMG Guidelines, 2015. Collection method: clinical testing. Allele origin: germline. Observed: 5 variant alleles.
Comment: BS1, BP4, BP7

Blueprint Genetics
Classification: Likely benign. Last evaluated: 2024-11-27. Review status: criteria provided, single submitter. Criteria: ACMG Guidelines, 2015. Collection method: clinical testing. Allele origin: germline.

GeneDx
Classification: Likely benign. Last evaluated: 2018-10-01. Review status: criteria provided, single submitter. Criteria: GeneDx Variant Classification Process June 2021. Collection method: clinical testing. Allele origin: germline. Affected: yes.

Breakthrough Genomics
Classification: Likely benign. Review status: criteria provided, single submitter. Criteria: ACMG Guidelines, 2015. Collection method: not provided. Allele origin: germline. Inheritance: Autosomal dominant inheritance. Affected: yes.

PreventionGenetics, part of Exact Sciences
Classification: Likely benign for CCM2-related condition. Last evaluated: 2019-05-01. Review status: no assertion criteria provided. Collection method: clinical testing. Allele origin: germline. Not counted in ClinVar's aggregate classification.
Comment: This variant is classified as likely benign based on ACMG/AMP sequence variant interpretation guidelines (Richards et al. 2015 PMID: 25741868, with internal and published modifications).

Literature cited by the submitters: PubMed 27561926 (cited by Mayo Clinic Laboratories, Mayo Clinic).